The following is an entry in ClinVar:

ClinVar aggregate classification (germline): Conflicting classifications of pathogenicity. Review status: criteria provided, conflicting classifications (1 of 4 stars). 6 submissions from 5 submitters: Uncertain significance (5); Likely benign (1). Last evaluated 2025-10-23.

Conditions:
Cardiovascular phenotype. Identifiers: MedGen CN230736.
Hereditary cancer-predisposing syndrome. Also called: Hereditary Cancer Syndrome; Neoplastic Syndromes, Hereditary; Tumor predisposition; Hereditary neoplastic syndrome. Identifiers: Orphanet 140162, MedGen C0027672, MeSH D009386, MONDO:0015356.
Juvenile myelomonocytic leukemia (JMML). Also called: LEUKEMIA, JUVENILE MYELOMONOCYTIC, SOMATIC. Identifiers: Orphanet 86834, MedGen C0349639, MONDO:0011908, OMIM 607785, HP:0012209.
Neurofibromatosis, type 1 (NF1). Also called: Neurofibromatosis, type I; VON RECKLINGHAUSEN DISEASE; NEUROFIBROMATOSIS, TYPE I, SOMATIC; Peripheral type neurofibromatosis. Identifiers: Orphanet 636, MedGen C0027831, MONDO:0018975, OMIM 162200. Disease mechanism: loss of function.

Allele frequency attached by ClinVar (database versions not stated): gnomAD exomes below 0.00001.

Submissions (6):

Labcorp Genetics (formerly Invitae), Labcorp
Classification: Likely benign for Neurofibromatosis, type 1. Last evaluated: 2025-10-23. Review status: criteria provided, single submitter. Criteria: Invitae Variant Classification Sherloc (09022015). Collection method: clinical testing. Allele origin: germline.

Baylor Genetics
Classification: Uncertain significance for Juvenile myelomonocytic leukemia. Last evaluated: 2024-02-29. Review status: criteria provided, single submitter. Criteria: ACMG Guidelines, 2015. Collection method: clinical testing. Allele origin: unknown.

Genome-Nilou Lab
Classification: Uncertain significance for Neurofibromatosis, type 1. Last evaluated: 2022-03-15. Review status: criteria provided, single submitter. Criteria: ACMG Guidelines, 2015. Collection method: clinical testing. Allele origin: germline. Affected: no.

Ambry Genetics
Classification: Uncertain significance for Cardiovascular phenotype; Hereditary cancer-predisposing syndrome. Last evaluated: 2021-07-28. Review status: criteria provided, single submitter. Criteria: Ambry Variant Classification Scheme 2023. Collection method: clinical testing. Allele origin: germline.

GeneDx
Classification: Uncertain significance. Last evaluated: 2020-06-12. Review status: criteria provided, single submitter. Criteria: GeneDx Variant Classification Process June 2021. Collection method: clinical testing. Allele origin: germline. Affected: yes.
Comment: In silico analysis supports that this missense variant has a deleterious effect on protein structure/function; Has not been previously published as pathogenic or benign to our knowledge

Ambry Genetics
Classification: Uncertain significance for Hereditary cancer-predisposing syndrome. Last evaluated: 2015-06-24. Review status: criteria provided, single submitter. Criteria: Ambry Autosomal Dominant and X-Linked criteria (10/2015). Collection method: clinical testing. Allele origin: germline. Observed: 1 variant allele.
Comment: The p.M1271T variant (also known as c.3812T>C), located in coding exon 28 of the NF1 gene, results from a T to C substitution at nucleotide position 3812. The methionine at codon 1271 is replaced by threonine, an amino acid with similar properties. This variant was not reported in population based cohorts in the following databases: Database of Single Nucleotide Polymorphisms (dbSNP), NHLBI Exome Sequencing Project (ESP), and 1000 Genomes Project. In the ESP, this variant was not observed in 6503 samples (13006 alleles) with coverage at this position.To date, this alteration has been detected with an allele frequency of approximately 0.002% (greater than 55000alleles tested) in our clinical cohort.This amino acid position is highly conserved in available vertebrate species. In addition, this alteration is predicted to be deleterious by in silico analysis.Since supporting evidence is limited at this time, the clinical significance of p.M1271Tremains unclear.

NM_001042492.3(NF1):c.3812T>C (p.Met1271Thr)

Gene: NF1 (neurofibromin 1; plus strand). Cytogenetic location: 17q11.2.
Variant type: single nucleotide variant.
Coding change: c.3812T>C on transcript NM_001042492.3 (MANE Select); coding-DNA position 3812, T replaced by C.
Protein change: p.Met1271Thr; replaces methionine 1271 with threonine.
Molecular consequence: missense variant.
Genome position (GRCh38, 1-based): chr17:31,235,714, T>C. VCF-style: chr17-31235714-T-C. GRCh37 (hg19) VCF-style: chr17-29562732-T-C.
Other names: c.3812T>C, p.Met1271Thr (NM_000267.4); short protein forms M1271T.
Identifiers: ClinVar variation 232492 (VCV000232492.18), dbSNP rs876659801, ClinGen allele CA10580296.
Genomic context (GRCh38, chr17:31,235,714, plus strand): 5'-ATTTACTCTACCAACTGCTCTGGAACATGTTTTCTAAAGAAGTAGAATTGGCAGACTCCA[T>C]GCAGACTCTCTTCCGAGGCAACAGCTTGGCCAGTAAAATAATGACATTCTGTTTCAAGGT-3'
Protein context (NP_001035957.1, residues 1261-1281): FSKEVELADS[Met1271Thr]QTLFRGNSLA